The following is an entry in ClinVar:

ClinVar aggregate classification (germline): Pathogenic (1 of 4 stars; one submission).

Conditions:
Inborn genetic diseases. Identifiers: MedGen C0950123, MeSH D030342.

Submission:

Ambry Genetics
Classification: Pathogenic for Inborn genetic diseases. Last evaluated: 2024-10-09. Review status: criteria provided, single submitter. Criteria: Ambry Variant Classification Scheme 2023. Collection method: clinical testing. Allele origin: germline.
Comment: The c.1420_1424delAATGA (p.N474Dfs*4) alteration, located in exon 10 (coding exon 10) of the ARFGEF1 gene, consists of a deletion of 5 nucleotides from position 1420 to 1424, causing a translational frameshift with a predicted alternate stop codon after 4 amino acids. This alteration is expected to result in loss of function by premature protein truncation or nonsense-mediated mRNA decay. This variant was not reported in population-based cohorts in the Genome Aggregation Database (gnomAD). Based on the available evidence, this alteration is classified as pathogenic.

NM_006421.5(ARFGEF1):c.1420_1424del (p.Asn474fs)

Gene: ARFGEF1 (ARF guanine nucleotide exchange factor 1; minus strand). Cytogenetic location: 8q13.2.
Variant type: Deletion.
Coding change: c.1420_1424del on transcript NM_006421.5 (MANE Select); coding-DNA positions 1420 to 1424, 5 bases deleted (AATGA; older notation c.1420_1424delAATGA).
Protein change: p.Asn474fs; shifts the reading frame from asparagine 474.
Molecular consequence: frameshift variant. On other transcripts: 5 prime UTR variant (1), non-coding transcript variant (1).
Genome position (GRCh38, 1-based): chr8:67,271,850-67,271,854, TCATT deleted on the plus strand (AATGA on the coding strand, the reverse complement: ARFGEF1 is on the minus strand); deleting any 5 consecutive bases within chr8:67,271,850-67,271,855 gives the same sequence; the c. name uses the placement nearest the transcript's 3' end. VCF-style (leftmost placement, unchanged base first): chr8-67271849-CTCATT-C. GRCh37 (hg19) VCF-style: chr8-68184084-CTCATT-C.
Other names: c.1420_1424del, p.Asn474fs (NM_001413184.1, NM_001413185.1, NM_001413186.1 and 7 more transcripts); c.820_824del, p.Asn274fs (NM_001413188.1, NM_001413193.1, NM_001413197.1); c.-6_-2del (NM_001413196.1); short protein forms N274fs, N474fs.
Identifiers: ClinVar variation 3420545 (VCV003420545.1).